The following is an entry in ClinVar:

NM_001855.5(COL15A1):c.1592C>G (p.Pro531Arg)

Gene: COL15A1 (collagen type XV alpha 1 chain; plus strand). Cytogenetic location: 9q22.33.
Variant type: single nucleotide variant.
Coding change: c.1592C>G on transcript NM_001855.5 (MANE Select); coding-DNA position 1592, C replaced by G.
Protein change: p.Pro531Arg; replaces proline 531 with arginine.
Molecular consequence: missense variant.
Genome position (GRCh38, 1-based): chr9:99,016,064, C>G. VCF-style: chr9-99016064-C-G. GRCh37 (hg19) VCF-style: chr9-101778346-C-G.
Other names: short protein forms P531R.
Identifiers: ClinVar variation 3056651 (VCV003056651.2), dbSNP rs35529307, ClinGen allele CA5154958.
Genomic context (GRCh38, chr9:99,016,064, plus strand): 5'-CAGCCACAACAGAGGAGCCCCTCATCACAGCTGGGGGTGAAGAGTCCGGCAGCCCTCCCC[C>G]TGATGGGCCACCGCTGCCCCTGCCCACAGTGGCTCCTGAAAGATGGATCACTCCAGTAAG-3'
Protein context (NP_001846.3, residues 521-541): AGGEESGSPP[Pro531Arg]DGPPLPLPTV

ClinVar aggregate classification (germline): Benign (0 of 4 stars; one submission).

Conditions:
COL15A1-related disorder. Also called: COL15A1-related condition.

Allele frequency attached by ClinVar (database versions not stated): 1000 Genomes Project 30x 0.05637; 1000 Genomes Project 0.05651; TOPMed 0.08662; ESP Exome Variant Server 0.09480.
gnomAD v4.1: 166,055 of 1,613,866 alleles (10%); highest among the groups gnomAD compares: Middle Eastern, 13%; 9,182 homozygotes.

Submission:

PreventionGenetics, part of Exact Sciences
Classification: Benign for COL15A1-related condition. Last evaluated: 2019-10-25. Review status: no assertion criteria provided. Collection method: clinical testing. Allele origin: germline.
Comment: This variant is classified as benign based on ACMG/AMP sequence variant interpretation guidelines (Richards et al. 2015 PMID: 25741868, with internal and published modifications).